The following is an entry in ClinVar:

NM_022041.4(GAN):c.23C>G (p.Ser8Cys)

Genes: GAN (gigaxonin; plus strand), LOC130059498 (ATAC-STARR-seq lymphoblastoid silent region 7753; plus strand). Cytogenetic location: 16q23.2.
Variant type: single nucleotide variant.
Coding change: c.23C>G on transcript NM_022041.4 (MANE Select); coding-DNA position 23, C replaced by G.
Protein change: p.Ser8Cys; replaces serine 8 with cysteine.
Molecular consequence: missense variant. On other transcripts: 5 prime UTR variant (1).
Genome position (GRCh38, 1-based): chr16:81,315,136, C>G. VCF-style: chr16-81315136-C-G. GRCh37 (hg19) VCF-style: chr16-81348741-C-G.
Other names: c.-502C>G (NM_001377486.1); short protein forms S8C.
Identifiers: ClinVar variation 157530 (VCV000157530.9), dbSNP rs587781251, ClinGen allele CA270938.

ClinVar aggregate classification (germline): Uncertain significance. Review status: criteria provided, single submitter (1 of 4 stars). 2 submissions from 2 submitters: Uncertain significance (1). 1 of the submissions does not count toward it. Last evaluated 2022-05-01.

Conditions:
Charcot-Marie-Tooth disease. Also called: Charcot-Marie-Tooth Neuropathy; Charcot-Marie-Tooth Hereditary Neuropathy. Identifiers: Orphanet 166, MedGen C0007959, MONDO:0015626.
Giant axonal neuropathy 1 (GAN1). Also called: GIANT AXONAL NEUROPATHY 1, AUTOSOMAL RECESSIVE; GAN-Related Neurodegeneration. Identifiers: Orphanet 643, MedGen C1850386, MONDO:0009749, OMIM 256850.

Allele frequency attached by ClinVar (database versions not stated): gnomAD 0.00001; gnomAD exomes 0.00001; TOPMed 0.00002; ExAC 0.00006.

Submissions (2):

Labcorp Genetics (formerly Invitae), Labcorp
Classification: Uncertain significance for Giant axonal neuropathy 1. Last evaluated: 2022-05-01. Review status: criteria provided, single submitter. Criteria: Invitae Variant Classification Sherloc (09022015). Collection method: clinical testing. Allele origin: germline.
Comment: This sequence change replaces serine, which is neutral and polar, with cysteine, which is neutral and slightly polar, at codon 8 of the GAN protein (p.Ser8Cys). This variant is present in population databases (rs587781251, gnomAD 0.002%). This missense change has been observed in individual(s) with Charcot-Marie-Tooth disease (PMID: 25025039). ClinVar contains an entry for this variant (Variation ID: 157530). Algorithms developed to predict the effect of missense changes on protein structure and function output the following: SIFT: "Tolerated"; PolyPhen-2: "Benign"; Align-GVGD: "Class C0". The cysteine amino acid residue is found in multiple mammalian species, which suggests that this missense change does not adversely affect protein function. In summary, the available evidence is currently insufficient to determine the role of this variant in disease. Therefore, it has been classified as a Variant of Uncertain Significance.

Dept. of Medical Genetics, Telemark Hospital Trust, Telemark Hospital Trust
Classification: Uncertain significance for Charcot-Marie-Tooth disease. Last evaluated: 2013-11-01. Review status: no assertion criteria provided. Collection method: research. Allele origin: unknown. Affected: yes. Study: Charcot-Marie-Tooth disease study. Not counted in ClinVar's aggregate classification.
Comment: Populational based study of Charcot-Marie-Tooth disease in Norway

Literature cited by the submitters: PubMed 25025039 (cited by Labcorp Genetics (formerly Invitae), Labcorp and Dept. of Medical Genetics, Telemark Hospital Trust, Telemark Hospital Trust); PMC 4306395 (cited by Dept. of Medical Genetics, Telemark Hospital Trust, Telemark Hospital Trust).